The following is an entry in ClinVar:

NM_001999.4(FBN2):c.2120A>G (p.Tyr707Cys)

Gene: FBN2 (fibrillin 2; minus strand). Cytogenetic location: 5q23.3.
Variant type: single nucleotide variant.
Coding change: c.2120A>G on transcript NM_001999.4 (MANE Select); coding-DNA position 2120, A replaced by G.
Protein change: p.Tyr707Cys; replaces tyrosine 707 with cysteine.
Molecular consequence: missense variant.
Genome position (GRCh38, 1-based): chr5:128,369,310, T>C on the plus strand (A>G on the coding strand, the complement: FBN2 is on the minus strand). VCF-style: chr5-128369310-T-C. GRCh37 (hg19) VCF-style: chr5-127705003-T-C.
Other names: short protein forms Y707C.
Identifiers: ClinVar variation 4754670 (VCV004754670.1).
Genomic context (GRCh38, chr5:128,369,310, plus strand): 5'-TCGGACTTGGTCACTGCACCGGGGAAAGGACGCACACACACTCCTTTCTTGATTCCTCCA[T>C]AGCAGGTACTGCGCATGTGAGTATCTAAAGGAGATACAAAAACAATGACTTGAGGCAGTG-3'
Protein context (NP_001990.2, residues 697-717): CVDTHMRSTC[Tyr707Cys]GGIKKGVCVR

ClinVar aggregate classification (germline): Uncertain significance (1 of 4 stars; one submission).

Conditions:
Congenital contractural arachnodactyly (CCA). Also called: Beals-Hecht syndrome; BEALS SYNDROME; Arthrogryposis, distal, type 9. Identifiers: Orphanet 115, MedGen C0220668, MONDO:0007363, OMIM 121050.

Submission:

Labcorp Genetics (formerly Invitae), Labcorp
Classification: Uncertain significance for Congenital contractural arachnodactyly. Last evaluated: 2025-10-20. Review status: criteria provided, single submitter. Criteria: Invitae Variant Classification Sherloc (09022015). Collection method: clinical testing. Allele origin: germline.
Comment: This sequence change replaces tyrosine, which is neutral and polar, with cysteine, which is neutral and slightly polar, at codon 707 of the FBN2 protein (p.Tyr707Cys). This variant is present in population databases (rs145714742, gnomAD 0.0009%). This variant has not been reported in the literature in individuals affected with FBN2-related conditions. Invitae Evidence Modeling of protein sequence and biophysical properties (such as structural, functional, and spatial information, amino acid conservation, physicochemical variation, residue mobility, and thermodynamic stability) indicates that this missense variant is expected to disrupt FBN2 protein function with a positive predictive value of 80%. In summary, the available evidence is currently insufficient to determine the role of this variant in disease. Therefore, it has been classified as a Variant of Uncertain Significance.